The following is an entry in ClinVar:

NM_000170.3(GLDC):c.1553C>T (p.Pro518Leu)

Gene: GLDC (glycine decarboxylase; minus strand). Cytogenetic location: 9p24.1.
Variant type: single nucleotide variant.
Coding change: c.1553C>T on transcript NM_000170.3 (MANE Select); coding-DNA position 1553, C replaced by T.
Protein change: p.Pro518Leu; replaces proline 518 with leucine.
Molecular consequence: missense variant.
Genome position (GRCh38, 1-based): chr9:6,589,222, G>A on the plus strand (C>T on the coding strand, the complement: GLDC is on the minus strand). VCF-style: chr9-6589222-G-A. GRCh37 (hg19) VCF-style: chr9-6589222-G-A.
Other names: short protein forms P518L.
Identifiers: ClinVar variation 1312829 (VCV001312829.6), dbSNP rs761064507, ClinGen allele CA4980658.

ClinVar aggregate classification (germline): Uncertain significance. Review status: criteria provided, multiple submitters, no conflicts (2 of 4 stars). 4 submissions from 4 submitters: Uncertain significance (4). Last evaluated 2025-06-03.

Conditions:
Glycine encephalopathy 1 (GCE1). Identifiers: MedGen CN376801, MONDO:0958179, OMIM 605899.
Inborn genetic diseases. Identifiers: MedGen C0950123, MeSH D030342.
Glycine encephalopathy. Also called: Non-ketotic hyperglycinemia; Nonketotic hyperglycinemia. Identifiers: Orphanet 407, MedGen C0751748, MONDO:0011612, HP:0008288.

gnomAD v4.1: 71 of 1,604,918 alleles (0.0044%); highest among the groups gnomAD compares: Middle Eastern, 0.033%; no homozygotes.

Submissions (4):

Ambry Genetics
Classification: Uncertain significance for Inborn genetic diseases. Last evaluated: 2025-06-03. Review status: criteria provided, single submitter. Criteria: Ambry Variant Classification Scheme 2023. Collection method: clinical testing. Allele origin: germline.

Fulgent Genetics
Classification: Uncertain significance for Glycine encephalopathy 1. Last evaluated: 2024-01-09. Review status: criteria provided, single submitter. Criteria: ACMG Guidelines, 2015. Collection method: clinical testing. Allele origin: germline.

GeneDx
Classification: Uncertain significance. Last evaluated: 2022-02-17. Review status: criteria provided, single submitter. Criteria: GeneDx Variant Classification Process June 2021. Collection method: clinical testing. Allele origin: germline. Affected: yes.
Comment: In silico analysis supports that this missense variant has a deleterious effect on protein structure/function; Not observed at a significant frequency in large population cohorts (gnomAD); Has not been previously published as pathogenic or benign to our knowledge

Labcorp Genetics (formerly Invitae), Labcorp
Classification: Uncertain significance for Glycine encephalopathy. Last evaluated: 2021-12-22. Review status: criteria provided, single submitter. Criteria: Invitae Variant Classification Sherloc (09022015). Collection method: clinical testing. Allele origin: germline.
Comment: This sequence change replaces proline, which is neutral and non-polar, with leucine, which is neutral and non-polar, at codon 518 of the GLDC protein (p.Pro518Leu). This variant is present in population databases (rs761064507, gnomAD 0.003%). This variant has not been reported in the literature in individuals affected with GLDC-related conditions. ClinVar contains an entry for this variant (Variation ID: 1312829). Advanced modeling of protein sequence and biophysical properties (such as structural, functional, and spatial information, amino acid conservation, physicochemical variation, residue mobility, and thermodynamic stability) performed at Invitae indicates that this missense variant is not expected to disrupt GLDC protein function. In summary, the available evidence is currently insufficient to determine the role of this variant in disease. Therefore, it has been classified as a Variant of Uncertain Significance.